The following is an entry in ClinVar:

ClinVar aggregate classification (germline): Benign/Likely benign. Review status: criteria provided, multiple submitters, no conflicts (2 of 4 stars). 6 submissions from 6 submitters: Benign (1); Likely benign (4). 1 of the submissions does not count toward it. Last evaluated 2026-01-29.

Conditions:
TSR2-related disorder. Also called: TSR2-related condition.
Diamond-Blackfan anemia 14 with mandibulofacial dysostosis (DBA14). Identifiers: Orphanet 124, MedGen C4225422, MONDO:0010493, OMIM 300946.

Allele frequency attached by ClinVar (database versions not stated): ESP Exome Variant Server 0.00379; gnomAD exomes 0.00425 and 0.00450; gnomAD 0.00445 and 0.00453; ExAC 0.00462; 1000 Genomes Project 0.00503; TOPMed 0.00527; 1000 Genomes Project 30x 0.00541.
gnomAD v4.1: 5,234 of 1,205,507 alleles (0.43%); highest among the groups gnomAD compares: Middle Eastern, 2.7%; 15 homozygotes.

Submissions (6):

Labcorp Genetics (formerly Invitae), Labcorp
Classification: Benign. Last evaluated: 2026-01-29. Review status: criteria provided, single submitter. Criteria: Invitae Variant Classification Sherloc (09022015). Collection method: clinical testing. Allele origin: germline.

Mayo Clinic Laboratories, Mayo Clinic
Classification: Likely benign. Last evaluated: 2025-09-29. Review status: criteria provided, single submitter. Criteria: ACMG Guidelines, 2015. Collection method: clinical testing. Allele origin: germline. Observed: 2 variant alleles.
Comment: BS1, BP4, BP7

Blueprint Genetics
Classification: Likely benign. Last evaluated: 2024-11-26. Review status: criteria provided, single submitter. Criteria: ACMG Guidelines, 2015. Collection method: clinical testing. Allele origin: germline.

Genome-Nilou Lab
Classification: Likely benign for Diamond-Blackfan anemia 14 with mandibulofacial dysostosis. Last evaluated: 2021-05-16. Review status: criteria provided, single submitter. Criteria: ACMG Guidelines, 2015. Collection method: clinical testing. Allele origin: germline. Affected: no.

Breakthrough Genomics
Classification: Likely benign. Review status: criteria provided, single submitter. Criteria: ACMG Guidelines, 2015. Collection method: not provided. Allele origin: germline. Inheritance: X-linked inheritance. Affected: yes.

PreventionGenetics, part of Exact Sciences
Classification: Likely benign for TSR2-related condition. Last evaluated: 2020-01-10. Review status: no assertion criteria provided. Collection method: clinical testing. Allele origin: germline. Not counted in ClinVar's aggregate classification.
Comment: This variant is classified as likely benign based on ACMG/AMP sequence variant interpretation guidelines (Richards et al. 2015 PMID: 25741868, with internal and published modifications).

NM_058163.3(TSR2):c.234T>C (p.Asp78=)

Gene: TSR2 (TSR2 ribosome maturation factor; plus strand). Cytogenetic location: Xp11.22.
Variant type: single nucleotide variant.
Coding change: c.234T>C on transcript NM_058163.3 (MANE Select); coding-DNA position 234, T replaced by C.
Protein change: p.Asp78=; no amino-acid change (aspartic acid 78 retained).
Molecular consequence: synonymous variant. On other transcripts: 5 prime UTR variant (3).
Genome position (GRCh38, 1-based): chrX:54,443,461, T>C. VCF-style: chrX-54443461-T-C. GRCh37 (hg19) VCF-style: chrX-54469894-T-C.
Other names: p.Asp78=; c.234T>C, p.Asp78= (NM_001346789.2); c.-43T>C (NM_001346790.2); c.-52T>C (NM_001346791.2, NM_001346792.2); c.234T>C (NM_058163.2).
Identifiers: ClinVar variation 709009 (VCV000709009.16), dbSNP rs36032873, ClinGen allele CA10424820.